The following is an entry in ClinVar:

ClinVar aggregate classification (germline): Uncertain significance. Review status: criteria provided, multiple submitters, no conflicts (2 of 4 stars). 2 submissions from 2 submitters: Uncertain significance (2). Last evaluated 2025-07-16.

Conditions:
Naxos disease (NXD). Also called: KERATOSIS PALMOPLANTARIS WITH ARRHYTHMOGENIC CARDIOMYOPATHY; MAL DE NAXOS; PALMOPLANTAR KERATODERMA WITH ARRHYTHMOGENIC RIGHT VENTRICULAR CARDIOMYOPATHY AND WOOLLY HAIR; WOOLLY HAIR, PALMOPLANTAR KERATODERMA, AND CARDIAC ABNORMALITIES; CARDIOMYOPATHY, ARRHYTHMOGENIC RIGHT VENTRICULAR, WITH SKIN, HAIR, AND NAIL ABNORMALITIES. Identifiers: Orphanet 34217, MedGen C1832600, MONDO:0011017, OMIM 601214.
Arrhythmogenic right ventricular dysplasia 12. Also called: ARRHYTHMOGENIC RIGHT VENTRICULAR DYSPLASIA, FAMILIAL, 12. Identifiers: MedGen C1969081, MONDO:0012684, OMIM 611528.
Cardiovascular phenotype. Identifiers: MedGen CN230736.

Allele frequency attached by ClinVar (database versions not stated): gnomAD exomes below 0.00001 and 0.00001.
gnomAD v4.1: 19 of 1,614,096 alleles (0.0012%); highest among the groups gnomAD compares: Middle Eastern, 0.016%; no homozygotes.

Submissions (2):

Labcorp Genetics (formerly Invitae), Labcorp
Classification: Uncertain significance for Arrhythmogenic right ventricular dysplasia 12; Naxos disease. Last evaluated: 2025-07-16. Review status: criteria provided, single submitter. Criteria: Invitae Variant Classification Sherloc (09022015). Collection method: clinical testing. Allele origin: germline.
Comment: This sequence change replaces serine, which is neutral and polar, with leucine, which is neutral and non-polar, at codon 28 of the JUP protein (p.Ser28Leu). This variant is present in population databases (rs782713414, gnomAD no frequency). This variant has not been reported in the literature in individuals affected with JUP-related conditions. ClinVar contains an entry for this variant (Variation ID: 1422349). An algorithm developed to predict the effect of missense changes on protein structure and function (PolyPhen-2) suggests that this variant is likely to be disruptive. In summary, the available evidence is currently insufficient to determine the role of this variant in disease. Therefore, it has been classified as a Variant of Uncertain Significance.

Molecular Diagnostic Laboratory for Inherited Cardiovascular Disease, Montreal Heart Institute
Classification: Uncertain significance for Cardiovascular phenotype. Last evaluated: 2025-04-09. Review status: criteria provided, single submitter. Criteria: ACMG Guidelines, 2015. Collection method: clinical testing. Allele origin: germline. Affected: yes.

NM_002230.4(JUP):c.83C>T (p.Ser28Leu)

Gene: JUP (junction plakoglobin; minus strand). Cytogenetic location: 17q21.2.
Variant type: single nucleotide variant.
Coding change: c.83C>T on transcript NM_002230.4 (MANE Select); coding-DNA position 83, C replaced by T.
Protein change: p.Ser28Leu; replaces serine 28 with leucine.
Molecular consequence: missense variant.
Genome position (GRCh38, 1-based): chr17:41,771,772, G>A on the plus strand (C>T on the coding strand, the complement: JUP is on the minus strand). VCF-style: chr17-41771772-G-A. GRCh37 (hg19) VCF-style: chr17-39928024-G-A.
Other names: c.83C>T, p.Ser28Leu (NM_001352773.2, NM_001352774.2, NM_001352775.2 and 3 more transcripts); c.83C>T (NM_002230.3); short protein forms S28L.
Identifiers: ClinVar variation 1422349 (VCV001422349.8), dbSNP rs782713414, ClinGen allele CA290701403.